The following is an entry in ClinVar:

NM_000138.5(FBN1):c.3589+232T>G

Gene: FBN1 (fibrillin 1; minus strand). Cytogenetic location: 15q21.1.
Variant type: single nucleotide variant.
Coding change: c.3589+232T>G on transcript NM_000138.5 (MANE Select); 232 bases into the intron after coding-DNA position 3589, T replaced by G.
Molecular consequence: intron variant.
Genome position (GRCh38, 1-based): chr15:48,486,843, A>C on the plus strand (T>G on the coding strand, the complement: FBN1 is on the minus strand). VCF-style: chr15-48486843-A-C. GRCh37 (hg19) VCF-style: chr15-48779040-A-C.
Other names: c.3589+232T>G (NM_001406716.1).
Identifiers: ClinVar variation 4849996 (VCV004849996.1).

ClinVar aggregate classification (germline): Likely pathogenic (1 of 4 stars; one submission).

Conditions:
Marfan syndrome (MFS). Also called: FBN1-Related Marfan Syndrome; MARFAN SYNDROME, TYPE I; Marfan syndrome type 1; Marfan's syndrome; Marfan syndrome, classic. Identifiers: Orphanet 284963, Orphanet 558, MedGen C0024796, MONDO:0007947, OMIM 154700.

Submission:

Variantyx, Inc.
Classification: Likely pathogenic for Marfan syndrome. Last evaluated: 2025-12-06. Review status: criteria provided, single submitter. Criteria: Variantyx Assertion Criteria 2022. Collection method: clinical testing. Allele origin: de novo. Inheritance: Autosomal dominant inheritance. Affected: yes.
Comment: This is an intronic variant in the FBN1 gene (OMIM: 134797). Pathogenic variants in this gene have been associated with autosomal dominant Marfan syndrome (PMID:8406497). The clinical symptoms reported for this individual are highly specific for autosomal dominant Marfan syndrome, which has a limited genetic etiology (PP4). Algorithms that predict the potential impact of sequence variants on RNA splicing suggest that this variant may disrupt normal splicing (PP3). This variant is absent from control populations (PM2). Based on the current evidence, this variant is classified as likely pathogenic for autosomal dominant Marfan syndrome.

Literature cited by the submitters: PubMed 8406497.